The following is an entry in ClinVar:

ClinVar aggregate classification (germline): Uncertain significance. Review status: criteria provided, multiple submitters, no conflicts (2 of 4 stars). 3 submissions from 3 submitters: Uncertain significance (3). Last evaluated 2025-10-28.

Conditions:
ERBB4-related disorder. Also called: ERBB4-related condition.
Inborn genetic diseases. Identifiers: MedGen C0950123, MeSH D030342.

Allele frequency attached by ClinVar (database versions not stated): TOPMed 0.00006; ExAC 0.00010; gnomAD 0.00004.
gnomAD v4.1: 146 of 1,613,532 alleles (0.009%); highest among the groups gnomAD compares: Non-Finnish European, 0.012%; no homozygotes.

Submissions (3):

Labcorp Genetics (formerly Invitae), Labcorp
Classification: Uncertain significance. Last evaluated: 2025-10-28. Review status: criteria provided, single submitter. Criteria: Invitae Variant Classification Sherloc (09022015). Collection method: clinical testing. Allele origin: germline.
Comment: This sequence change replaces proline, which is neutral and non-polar, with serine, which is neutral and polar, at codon 557 of the ERBB4 protein (p.Pro557Ser). This variant is present in population databases (rs771809161, gnomAD 0.02%). This variant has not been reported in the literature in individuals affected with ERBB4-related conditions. ClinVar contains an entry for this variant (Variation ID: 2187479). Invitae Evidence Modeling of protein sequence and biophysical properties (such as structural, functional, and spatial information, amino acid conservation, physicochemical variation, residue mobility, and thermodynamic stability) indicates that this missense variant is not expected to disrupt ERBB4 protein function with a negative predictive value of 80%. In summary, the available evidence is currently insufficient to determine the role of this variant in disease. Therefore, it has been classified as a Variant of Uncertain Significance.

PreventionGenetics, part of Exact Sciences
Classification: Uncertain significance for ERBB4-related condition. Last evaluated: 2023-10-03. Review status: criteria provided, single submitter. Criteria: ACMG Guidelines, 2015. Collection method: clinical testing. Allele origin: germline.
Comment: The ERBB4 c.1669C>T variant is predicted to result in the amino acid substitution p.Pro557Ser. To our knowledge, this variant has not been reported in the literature. This variant is reported in 0.021% of alleles in individuals of European (Non-Finnish) descent in gnomAD. Although we suspect that this variant may be benign, at this time, the clinical significance of this variant is uncertain due to the absence of conclusive functional and genetic evidence.

Ambry Genetics
Classification: Uncertain significance for Inborn genetic diseases. Last evaluated: 2022-07-25. Review status: criteria provided, single submitter. Criteria: Ambry Variant Classification Scheme 2023. Collection method: clinical testing. Allele origin: germline.

NM_005235.3(ERBB4):c.1669C>T (p.Pro557Ser)

Gene: ERBB4 (erb-b2 receptor tyrosine kinase 4; minus strand). Cytogenetic location: 2q34.
Variant type: single nucleotide variant.
Coding change: c.1669C>T on transcript NM_005235.3 (MANE Select); coding-DNA position 1669, C replaced by T.
Protein change: p.Pro557Ser; replaces proline 557 with serine.
Molecular consequence: missense variant.
Genome position (GRCh38, 1-based): chr2:211,673,211, G>A on the plus strand (C>T on the coding strand, the complement: ERBB4 is on the minus strand). VCF-style: chr2-211673211-G-A. GRCh37 (hg19) VCF-style: chr2-212537936-G-A.
Other names: c.1669C>T, p.Pro557Ser (NM_001042599.2); short protein forms P557S.
Identifiers: ClinVar variation 2187479 (VCV002187479.6), dbSNP rs771809161, ClinGen allele CA2088057.